The following is an entry in ClinVar:

ClinVar aggregate classification (germline): Likely benign. Review status: criteria provided, multiple submitters, no conflicts (2 of 4 stars). 4 submissions from 4 submitters: Likely benign (4). Last evaluated 2025-12-27.

Conditions:
FANCD2-related disorder. Also called: FANCD2-related condition.
Fanconi anemia (FA). Also called: Fanconi's anemia. Identifiers: Orphanet 84, MedGen C0015625, MeSH D005199, MONDO:0019391.

Allele frequency attached by ClinVar (database versions not stated): gnomAD 0.00001; ExAC 0.00013.

Submissions (4):

Labcorp Genetics (formerly Invitae), Labcorp
Classification: Likely benign for Fanconi anemia. Last evaluated: 2025-12-27. Review status: criteria provided, single submitter. Criteria: Invitae Variant Classification Sherloc (09022015). Collection method: clinical testing. Allele origin: germline.

CeGaT Center for Human Genetics Tuebingen
Classification: Likely benign. Last evaluated: 2025-08-01. Review status: criteria provided, single submitter. Criteria: CeGaT Center For Human Genetics Tuebingen Variant Classification Criteria Version 2. Collection method: clinical testing. Allele origin: germline. Affected: yes. Observed: 5 variant alleles.
Comment: FANCD2: BP4, BP7

Blueprint Genetics
Classification: Likely benign. Last evaluated: 2024-11-21. Review status: criteria provided, single submitter. Criteria: ACMG Guidelines, 2015. Collection method: clinical testing. Allele origin: germline.

PreventionGenetics, part of Exact Sciences
Classification: Likely benign for FANCD2-related condition. Last evaluated: 2024-10-30. Review status: criteria provided, single submitter. Criteria: ACMG Guidelines, 2015. Collection method: clinical testing. Allele origin: germline.
Comment: This variant is classified as likely benign based on ACMG/AMP sequence variant interpretation guidelines (Richards et al. 2015 PMID: 25741868, with internal and published modifications).

NM_001018115.3(FANCD2):c.2049G>A (p.Leu683=)

Genes: FANCD2 (FA complementation group D2; plus strand), LOC107303338 (3p25 FANCD2 Alu-mediated recombination region; plus strand). Cytogenetic location: 3p25.3.
Variant type: single nucleotide variant.
Coding change: c.2049G>A on transcript NM_001018115.3 (MANE Select); coding-DNA position 2049, G replaced by A.
Protein change: p.Leu683=; no amino-acid change (leucine 683 retained).
Molecular consequence: synonymous variant.
Genome position (GRCh38, 1-based): chr3:10,064,756, G>A. VCF-style: chr3-10064756-G-A. GRCh37 (hg19) VCF-style: chr3-10106440-G-A.
Other names: c.2049G>A, p.Leu683= (NM_001319984.2, NM_001374254.1, NM_033084.6); c.1938G>A, p.Leu646= (NM_001374253.1); c.2049G>A (NM_001018115.2).
Identifiers: ClinVar variation 1114063 (VCV001114063.34), dbSNP rs768608195, ClinGen allele CA2249950.